The following is an entry in ClinVar:

ClinVar aggregate classification (germline): Uncertain significance. Review status: criteria provided, multiple submitters, no conflicts (2 of 4 stars). 2 submissions from 2 submitters: Uncertain significance (2). Last evaluated 2023-11-16.

Allele frequency attached by ClinVar (database versions not stated): gnomAD 0.00002; gnomAD exomes 0.00002; TOPMed 0.00003; ExAC 0.00004.
gnomAD v4.1: 36 of 1,613,902 alleles (0.0022%); highest among the groups gnomAD compares: East Asian, 0.013%; no homozygotes.

Submissions (2):

GeneDx
Classification: Uncertain significance. Last evaluated: 2023-11-16. Review status: criteria provided, single submitter. Criteria: GeneDx Variant Classification Process June 2021. Collection method: clinical testing. Allele origin: germline. Affected: yes.
Comment: Identified in an individual with Parkinson's disease, however, family history and segregation data were not included (PMID: 32259886); In silico analysis supports that this missense variant does not alter protein structure/function; This variant is associated with the following publications: (PMID: 32259886)

Labcorp Genetics (formerly Invitae), Labcorp
Classification: Uncertain significance. Last evaluated: 2022-06-19. Review status: criteria provided, single submitter. Criteria: Invitae Variant Classification Sherloc (09022015). Collection method: clinical testing. Allele origin: germline.
Comment: In summary, the available evidence is currently insufficient to determine the role of this variant in disease. Therefore, it has been classified as a Variant of Uncertain Significance. Advanced modeling of protein sequence and biophysical properties (such as structural, functional, and spatial information, amino acid conservation, physicochemical variation, residue mobility, and thermodynamic stability) performed at Invitae indicates that this missense variant is not expected to disrupt TGM6 protein function. This missense change has been observed in individual(s) with Parkinson's disease (PMID: 32259886). This variant is present in population databases (rs761552290, gnomAD 0.02%). This sequence change replaces arginine, which is basic and polar, with tryptophan, which is neutral and slightly polar, at codon 81 of the TGM6 protein (p.Arg81Trp).

Literature cited by the submitters: PubMed 32259886 (cited by Labcorp Genetics (formerly Invitae), Labcorp).

NM_198994.3(TGM6):c.241C>T (p.Arg81Trp)

Gene: TGM6 (transglutaminase 6; plus strand). Cytogenetic location: 20p13.
Variant type: single nucleotide variant.
Coding change: c.241C>T on transcript NM_198994.3 (MANE Select); coding-DNA position 241, C replaced by T.
Protein change: p.Arg81Trp; replaces arginine 81 with tryptophan.
Molecular consequence: missense variant.
Genome position (GRCh38, 1-based): chr20:2,395,253, C>T. VCF-style: chr20-2395253-C-T. GRCh37 (hg19) VCF-style: chr20-2375899-C-T.
Other names: c.241C>T, p.Arg81Trp (NM_001254734.2); c.241C>T (NM_198994.2); short protein forms R81W.
Identifiers: ClinVar variation 2157972 (VCV002157972.5), dbSNP rs761552290, ClinGen allele CA9731596.